The following is an entry in ClinVar:

NM_001199138.2(NLRC4):c.1849T>C (p.Tyr617His)

Gene: NLRC4 (NLR family CARD domain containing 4; minus strand). Cytogenetic location: 2p22.3.
Variant type: single nucleotide variant.
Coding change: c.1849T>C on transcript NM_001199138.2 (MANE Select); coding-DNA position 1849, T replaced by C.
Protein change: p.Tyr617His; replaces tyrosine 617 with histidine.
Molecular consequence: missense variant. On other transcripts: intron variant (1).
Genome position (GRCh38, 1-based): chr2:32,250,015, A>G on the plus strand (T>C on the coding strand, the complement: NLRC4 is on the minus strand). VCF-style: chr2-32250015-A-G. GRCh37 (hg19) VCF-style: chr2-32475084-A-G.
Other names: c.1849T>C, p.Tyr617His (NM_001199139.2, NM_021209.5); c.262+2404T>C (NM_001302504.1); short protein forms Y617H.
Identifiers: ClinVar variation 3752714 (VCV003752714.2).

ClinVar aggregate classification (germline): Uncertain significance (1 of 4 stars; one submission).

Conditions:
Periodic fever-infantile enterocolitis-autoinflammatory syndrome. Also called: Autoinflammation with infantile enterocolitis. Identifiers: Orphanet 436166, MedGen C4015067, MONDO:0014472, OMIM 616050.
Familial cold autoinflammatory syndrome 4 (FCAS4). Identifiers: Orphanet 47045, Orphanet 576349, MedGen C4015276, MONDO:0014498, OMIM 616115.

gnomAD v4.1: 11 of 1,614,110 alleles (0.00068%); highest among the groups gnomAD compares: South Asian, 0.0011%; no homozygotes.

Submission:

Labcorp Genetics (formerly Invitae), Labcorp
Classification: Uncertain significance for Periodic fever-infantile enterocolitis-autoinflammatory syndrome; Familial cold autoinflammatory syndrome 4. Last evaluated: 2024-12-03. Review status: criteria provided, single submitter. Criteria: Invitae Variant Classification Sherloc (09022015). Collection method: clinical testing. Allele origin: germline.
Comment: This sequence change replaces tyrosine, which is neutral and polar, with histidine, which is basic and polar, at codon 617 of the NLRC4 protein (p.Tyr617His). This variant is present in population databases (no rsID available, gnomAD 0.0009%). This variant has not been reported in the literature in individuals affected with NLRC4-related conditions. Invitae Evidence Modeling of protein sequence and biophysical properties (such as structural, functional, and spatial information, amino acid conservation, physicochemical variation, residue mobility, and thermodynamic stability) indicates that this missense variant is not expected to disrupt NLRC4 protein function with a negative predictive value of 80%. In summary, the available evidence is currently insufficient to determine the role of this variant in disease. Therefore, it has been classified as a Variant of Uncertain Significance.